The following is an entry in ClinVar:

ClinVar aggregate classification (germline): Likely benign (1 of 4 stars; one submission).

gnomAD v4.1: 138 of 1,614,000 alleles (0.0086%); highest among the groups gnomAD compares: Middle Eastern, 0.017%; no homozygotes.

Submission:

CeGaT Center for Human Genetics Tuebingen
Classification: Likely benign. Last evaluated: 2024-11-01. Review status: criteria provided, single submitter. Criteria: CeGaT Center For Human Genetics Tuebingen Variant Classification Criteria Version 2. Collection method: clinical testing. Allele origin: germline. Affected: yes. Observed: 1 variant allele.
Comment: VIM: BP4, BP7

NM_003380.5(VIM):c.1221G>A (p.Glu407=)

Gene: VIM (vimentin; plus strand). Cytogenetic location: 10p13.
Variant type: single nucleotide variant.
Coding change: c.1221G>A on transcript NM_003380.5 (MANE Select); coding-DNA position 1221, G replaced by A.
Protein change: p.Glu407=; no amino-acid change (glutamic acid 407 retained).
Molecular consequence: synonymous variant.
Genome position (GRCh38, 1-based): chr10:17,235,381, G>A. VCF-style: chr10-17235381-G-A. GRCh37 (hg19) VCF-style: chr10-17277380-G-A.
Identifiers: ClinVar variation 3389053 (VCV003389053.14).
Genomic context (GRCh38, chr10:17,235,381, plus strand): 5'-CAATGTTAAGATGGCCCTTGACATTGAGATTGCCACCTACAGGAAGCTGCTGGAAGGCGA[G>A]GAGAGCAGGTAGGGAACTCAGACTTGGATGCGTGAACTAATGGTGACCATTTGTTAGGCC-3'
Protein context (NP_003371.2, residues 397-417): IATYRKLLEG[Glu407=]ESRISLPLPN